The following is an entry in ClinVar:

NM_152564.5(VPS13B):c.8374A>T (p.Asn2792Tyr)

Gene: VPS13B (vacuolar protein sorting 13 homolog B; plus strand). Cytogenetic location: 8q22.2.
Variant type: single nucleotide variant.
Coding change: c.8374A>T on transcript NM_152564.5 (MANE Select); coding-DNA position 8374, A replaced by T.
Protein change: p.Asn2792Tyr; replaces asparagine 2792 with tyrosine.
Molecular consequence: missense variant.
Genome position (GRCh38, 1-based): chr8:99,818,463, A>T. VCF-style: chr8-99818463-A-T. GRCh37 (hg19) VCF-style: chr8-100830691-A-T.
Other names: c.8449A>T, p.Asn2817Tyr (NM_017890.5); short protein forms N2817Y, N2792Y.
Identifiers: ClinVar variation 2186625 (VCV002186625.3), dbSNP rs374369731, ClinGen allele CA4824440.
Genomic context (GRCh38, chr8:99,818,463, plus strand): 5'-AGTAAACTGCTTAGTATTCAATAGGACCCTTTGCTATTTCATGTGCAGGTGCCATCTTCA[A>T]ACAGTTCCATTATTTATGTCTGGTGCACAGTTTTGACTTTAGAACCCAACTCTCAAGTGC-3'
Protein context (NP_689777.3, residues 2782-2802): YSIVIQVPSS[Asn2792Tyr]SSIIYVWCTV

ClinVar aggregate classification (germline): Uncertain significance (1 of 4 stars; one submission).

Conditions:
Cohen syndrome (COH1). Also called: Cutis verticis gyrata, retinitis pigmentosa, and sensorineural deafness; PEPPER SYNDROME. Identifiers: Orphanet 193, MedGen C0265223, MONDO:0008999, OMIM 216550.

Allele frequency attached by ClinVar (database versions not stated): ExAC 0.00001; gnomAD 0.00001; gnomAD exomes 0.00001; ESP Exome Variant Server 0.00008.
gnomAD v4.1: 21 of 1,613,942 alleles (0.0013%); highest among the groups gnomAD compares: Non-Finnish European, 0.0018%; no homozygotes.

Submission:

Labcorp Genetics (formerly Invitae), Labcorp
Classification: Uncertain significance for Cohen syndrome. Last evaluated: 2024-12-16. Review status: criteria provided, single submitter. Criteria: Invitae Variant Classification Sherloc (09022015). Collection method: clinical testing. Allele origin: germline.
Comment: This sequence change replaces asparagine, which is neutral and polar, with tyrosine, which is neutral and polar, at codon 2817 of the VPS13B protein (p.Asn2817Tyr). This variant is present in population databases (rs374369731, gnomAD 0.0009%). This variant has not been reported in the literature in individuals affected with VPS13B-related conditions. ClinVar contains an entry for this variant (Variation ID: 2186625). Invitae Evidence Modeling of protein sequence and biophysical properties (such as structural, functional, and spatial information, amino acid conservation, physicochemical variation, residue mobility, and thermodynamic stability) indicates that this missense variant is expected to disrupt VPS13B protein function with a positive predictive value of 80%. In summary, the available evidence is currently insufficient to determine the role of this variant in disease. Therefore, it has been classified as a Variant of Uncertain Significance.